The following is an entry in ClinVar:

ClinVar aggregate classification (germline): Uncertain significance (1 of 4 stars; one submission).

Conditions:
EP300-related disorder. Also called: EP300-related condition; EP300-related disorders.

Submission:

PreventionGenetics, part of Exact Sciences
Classification: Uncertain significance for EP300-related condition. Last evaluated: 2024-12-03. Review status: criteria provided, single submitter. Criteria: ACMG Guidelines, 2015. Collection method: clinical testing. Allele origin: germline.
Comment: The EP300 c.5018G>A variant is predicted to result in the amino acid substitution p.Cys1673Tyr. To our knowledge, this variant has not been reported in the literature or in a large population database (gnomAD), indicating this variant is rare. At this time, the clinical significance of this variant is uncertain due to the absence of conclusive functional and genetic evidence.

NM_001429.4(EP300):c.5018G>A (p.Cys1673Tyr)

Gene: EP300 (EP300 lysine acetyltransferase; plus strand). Cytogenetic location: 22q13.2.
Variant type: single nucleotide variant.
Coding change: c.5018G>A on transcript NM_001429.4 (MANE Select); coding-DNA position 5018, G replaced by A.
Protein change: p.Cys1673Tyr; replaces cysteine 1673 with tyrosine.
Molecular consequence: missense variant.
Genome position (GRCh38, 1-based): chr22:41,176,485, G>A. VCF-style: chr22-41176485-G-A. GRCh37 (hg19) VCF-style: chr22-41572489-G-A.
Other names: c.4940G>A, p.Cys1647Tyr (NM_001362843.2); short protein forms C1673Y, C1647Y.
Identifiers: ClinVar variation 5001648 (VCV005001648.1).